The following is an entry in ClinVar:

ClinVar aggregate classification (germline): Uncertain significance. Review status: criteria provided, multiple submitters, no conflicts (2 of 4 stars). 4 submissions from 4 submitters: Uncertain significance (3). 1 of the submissions does not count toward it. Last evaluated 2025-10-07.

Conditions:
Inborn genetic diseases. Identifiers: MedGen C0950123, MeSH D030342.
PKHD1-related disorder. Also called: PKHD1-related condition.
Polycystic kidney disease 4 (PKD4). Also called: Autosomal Recessive Polycystic Kidney Disease – PKHD1; PKD3; POLYCYSTIC KIDNEY AND HEPATIC DISEASE 1; POLYCYSTIC KIDNEY DISEASE, INFANTILE, TYPE I; POLYCYSTIC KIDNEY DISEASE 4 WITH OR WITHOUT POLYCYSTIC LIVER DISEASE. Identifiers: MedGen C4540575, MONDO:0033004, OMIM 263200.

gnomAD v4.1: 14 of 1,613,764 alleles (0.00087%); highest among the groups gnomAD compares: Admixed American, 0.013%; no homozygotes.

Submissions (4):

Ambry Genetics
Classification: Uncertain significance for Inborn genetic diseases. Last evaluated: 2025-10-07. Review status: criteria provided, single submitter. Criteria: Ambry Variant Classification Scheme 2023. Collection method: clinical testing. Allele origin: germline.

Fulgent Genetics
Classification: Uncertain significance for Polycystic kidney disease 4. Last evaluated: 2022-04-04. Review status: criteria provided, single submitter. Criteria: ACMG Guidelines, 2015. Collection method: clinical testing. Allele origin: unknown.

Eurofins Ntd Llc (ga)
Classification: Uncertain significance. Last evaluated: 2017-02-01. Review status: criteria provided, single submitter. Criteria: EGL Classification Definitions 2015. Collection method: clinical testing. Allele origin: germline. Observed: 1 variant allele, 1 heterozygote.

PreventionGenetics, part of Exact Sciences
Classification: Uncertain significance for PKHD1-related condition. Last evaluated: 2024-08-08. Review status: no assertion criteria provided. Collection method: clinical testing. Allele origin: germline. Not counted in ClinVar's aggregate classification.
Comment: The PKHD1 c.10150A>C variant is predicted to result in the amino acid substitution p.Asn3384His. To our knowledge, this variant has not been reported in the literature or in a large population database, indicating this variant is rare. At this time, the clinical significance of this variant is uncertain due to the absence of conclusive functional and genetic evidence.

NM_138694.4(PKHD1):c.10150A>C (p.Asn3384His)

Gene: PKHD1 (PKHD1 ciliary IPT domain containing fibrocystin/polyductin; minus strand). Cytogenetic location: 6p12.3.
Variant type: single nucleotide variant.
Coding change: c.10150A>C on transcript NM_138694.4 (MANE Select); coding-DNA position 10150, A replaced by C.
Protein change: p.Asn3384His; replaces asparagine 3384 with histidine.
Molecular consequence: missense variant.
Genome position (GRCh38, 1-based): chr6:51,744,391, T>G on the plus strand (A>C on the coding strand, the complement: PKHD1 is on the minus strand). VCF-style: chr6-51744391-T-G. GRCh37 (hg19) VCF-style: chr6-51609189-T-G.
Other names: c.10150A>C, p.Asn3384His (NM_170724.3); c.10150A>C (NM_138694.3); short protein forms N3384H.
Identifiers: ClinVar variation 500246 (VCV000500246.8), dbSNP rs752841263, ClinGen allele CA364418035.